The following is an entry in ClinVar:

ClinVar aggregate classification (germline): Uncertain significance. Review status: criteria provided, multiple submitters, no conflicts (2 of 4 stars). 3 submissions from 3 submitters: Uncertain significance (3). Last evaluated 2024-06-19.

Conditions:
Inborn genetic diseases. Identifiers: MedGen C0950123, MeSH D030342.

Allele frequency attached by ClinVar (database versions not stated): gnomAD exomes 0.00007; ExAC 0.00012; gnomAD 0.00036 and 0.00041; TOPMed 0.00040; ESP Exome Variant Server 0.00069.
gnomAD v4.1: 99 of 1,613,554 alleles (0.0061%); highest among the groups gnomAD compares: African/African-American, 0.12%; no homozygotes.

Submissions (3):

Ambry Genetics
Classification: Uncertain significance for Inborn genetic diseases. Last evaluated: 2024-06-19. Review status: criteria provided, single submitter. Criteria: Ambry Variant Classification Scheme 2023. Collection method: clinical testing. Allele origin: germline.

Labcorp Genetics (formerly Invitae), Labcorp
Classification: Uncertain significance. Last evaluated: 2022-08-19. Review status: criteria provided, single submitter. Criteria: Invitae Variant Classification Sherloc (09022015). Collection method: clinical testing. Allele origin: germline.
Comment: This sequence change replaces glycine, which is neutral and non-polar, with arginine, which is basic and polar, at codon 325 of the CEP63 protein (p.Gly325Arg). This variant is present in population databases (rs148270410, gnomAD 0.1%). This variant has not been reported in the literature in individuals affected with CEP63-related conditions. ClinVar contains an entry for this variant (Variation ID: 501986). Algorithms developed to predict the effect of missense changes on protein structure and function are either unavailable or do not agree on the potential impact of this missense change (SIFT: "Deleterious"; PolyPhen-2: "Benign"; Align-GVGD: "Class C0"). In summary, the available evidence is currently insufficient to determine the role of this variant in disease. Therefore, it has been classified as a Variant of Uncertain Significance.

Eurofins Ntd Llc (ga)
Classification: Uncertain significance. Last evaluated: 2017-05-23. Review status: criteria provided, single submitter. Criteria: EGL Classification Definitions 2015. Collection method: clinical testing. Allele origin: germline. Observed: 1 variant allele, 1 heterozygote.

NM_001353108.3(CEP63):c.973G>A (p.Gly325Arg)

Gene: CEP63 (centrosomal protein 63; plus strand). Cytogenetic location: 3q22.2.
Variant type: single nucleotide variant.
Coding change: c.973G>A on transcript NM_001353108.3 (MANE Select); coding-DNA position 973, G replaced by A.
Protein change: p.Gly325Arg; replaces glycine 325 with arginine.
Molecular consequence: missense variant. On other transcripts: non-coding transcript variant (1), intron variant (12).
Genome position (GRCh38, 1-based): chr3:134,547,378, G>A. VCF-style: chr3-134547378-G-A. GRCh37 (hg19) VCF-style: chr3-134266220-G-A.
Other names: c.973G>A, p.Gly325Arg (NM_001042400.3, NM_001353110.1, NM_001353111.2 and 4 more transcripts); c.929+1090G>A (NM_001042384.2, NM_001353122.1, NM_001353109.1 and 6 more transcripts); c.956+1090G>A (NM_001353118.1); c.566+1090G>A (NM_001353126.2); c.845+1090G>A (NM_001353125.2); c.973G>A (NM_025180.3); short protein forms G325R.
Identifiers: ClinVar variation 501986 (VCV000501986.7), dbSNP rs148270410, ClinGen allele CA2628549.